The following is an entry in ClinVar:

NM_002474.3(MYH11):c.4198G>A (p.Glu1400Lys)

Genes: MYH11 (myosin heavy chain 11; minus strand), NDE1 (nudE neurodevelopment protein 1; plus strand). Cytogenetic location: 16p13.11.
Variant type: single nucleotide variant.
Coding change: c.4198G>A on transcript NM_002474.3 (MANE Select); coding-DNA position 4198, G replaced by A.
Protein change: p.Glu1400Lys; replaces glutamic acid 1400 with lysine.
Molecular consequence: missense variant. On other transcripts: 3 prime UTR variant (2).
Genome position (GRCh38, 1-based): chr16:15,724,328, C>T on the plus strand (G>A on the coding strand, the complement: MYH11 is on the minus strand). VCF-style: chr16-15724328-C-T. GRCh37 (hg19) VCF-style: chr16-15818185-C-T.
Other names: c.4219G>A, p.Glu1407Lys (NM_001040113.2, NM_001040114.2); c.4198G>A, p.Glu1400Lys (NM_022844.3); c.*77C>T (NM_001143979.2, NM_017668.3); short protein forms E1400K, E1407K.
Identifiers: ClinVar variation 4114584 (VCV004114584.1).
Genomic context (GRCh38, chr16:15,724,328, plus strand): 5'-TTTCCAGTTTATCATAAGCGGCCGCCTTCTCCTCGTACTGCTGGGTGAGGTTCTCGATCT[C>T]CTTCTGGAACCTCTTCTTCCCCTCTTCCAGAGCTTCCACGGTGCTGGCAAAGTCCTGCAG-3'
Protein context (NP_002465.1, residues 1390-1410): LEEGKKRFQK[Glu1400Lys]IENLTQQYEE

ClinVar aggregate classification (germline): Uncertain significance (1 of 4 stars; one submission).

Conditions:
Familial thoracic aortic aneurysm and aortic dissection (TAAD). Also called: Thoracic aortic aneurysms and dissections. Identifiers: Orphanet 91387, MedGen C4707243, MONDO:0019625.

Submission:

Ambry Genetics
Classification: Uncertain significance for Familial thoracic aortic aneurysm and aortic dissection. Last evaluated: 2025-06-22. Review status: criteria provided, single submitter. Criteria: Ambry Variant Classification Scheme 2023. Collection method: clinical testing. Allele origin: germline.
Comment: The p.E1400K variant (also known as c.4198G>A), located in coding exon 30 of the MYH11 gene, results from a G to A substitution at nucleotide position 4198. The glutamic acid at codon 1400 is replaced by lysine, an amino acid with similar properties. This amino acid position is conserved. In addition, the in silico prediction for this alteration is inconclusive. Based on the available evidence, the clinical significance of this variant remains unclear.